The following is an entry in ClinVar:

NM_004793.4(LONP1):c.341C>T (p.Pro114Leu)

Genes: LONP1 (lon peptidase 1, mitochondrial; minus strand), LOC130063270 (ATAC-STARR-seq lymphoblastoid silent region 9931; plus strand). Cytogenetic location: 19p13.3.
Variant type: single nucleotide variant.
Coding change: c.341C>T on transcript NM_004793.4 (MANE Select); coding-DNA position 341, C replaced by T.
Protein change: p.Pro114Leu; replaces proline 114 with leucine.
Molecular consequence: missense variant. On other transcripts: non-coding transcript variant (1), intron variant (1).
Genome position (GRCh38, 1-based): chr19:5,719,792, G>A on the plus strand (C>T on the coding strand, the complement: LONP1 is on the minus strand). VCF-style: chr19-5719792-G-A. GRCh37 (hg19) VCF-style: chr19-5719803-G-A.
Other names: c.149C>T, p.Pro50Leu (NM_001276479.2); c.-160+427C>T (NM_001276480.1); short protein forms P114L, P50L.
Identifiers: ClinVar variation 4886160 (VCV004886160.2).

ClinVar aggregate classification (germline): Uncertain significance (1 of 4 stars; one submission).

Submission:

Dasa
Classification: Uncertain significance. Last evaluated: 2026-02-04. Review status: criteria provided, single submitter. Criteria: DASA Assertion Criteria. Collection method: clinical testing. Allele origin: germline.
Comment: NM_004793.4(LONP1):c.341C>T (p.Pro114Leu) is a missense variant that results in the substitution of proline with leucine. This variant is rare in population databases. The currently available literature and clinical evidence are not sufficient to establish a definitive association between this variant and the reported condition. Therefore, this variant is classified as a variant of uncertain significance.